The following is an entry in ClinVar:

ClinVar aggregate classification (germline): Uncertain significance (1 of 4 stars; one submission).

Conditions:
Glycogen storage disease, type II (IOPD). Also called: Pompe Disease; CARDIOMEGALIA GLYCOGENICA DIFFUSA; GLYCOGENOSIS, GENERALIZED, CARDIAC FORM; GSD II; POMPE DISEASE, INFANTILE-ONSET; GLYCOGEN STORAGE DISEASE II, INFANTILE-ONSET. Identifiers: Orphanet 365, MedGen C0017921, MONDO:0009290, OMIM 232300.

Submission:

Genomenon, Inc
Classification: Uncertain significance for Glycogen storage disease, type II. Last evaluated: 2026-07-01. Review status: criteria provided, single submitter. Criteria: Genomenon Sequence Variant Interpretation Standards - Updated. Collection method: curation. Allele origin: germline. Affected: yes.
Comment: GAA p.Gln827His (c.2481G>C) is a missense variant that changes the amino acid at codon 827 from Glutamine to Histidine. This variant has been observed in at least one proband with a GAA-related disorder in the compound heterozygous and/or homozygous state (PMID:38250073;29124014). It is absent or not present at a significant frequency in gnomAD. In silico models predict that this variant is possibly or probably damaging. In conclusion, we classify GAA p.Gln827His (c.2481G>C) as a variant of uncertain significance.

Literature cited by the submitters: PubMed 38250073; PubMed 29124014.

NM_000152.5(GAA):c.2481G>C (p.Gln827His)

Gene: GAA (alpha glucosidase; plus strand). Cytogenetic location: 17q25.3.
Variant type: single nucleotide variant.
Coding change: c.2481G>C on transcript NM_000152.5 (MANE Select); coding-DNA position 2481, G replaced by C.
Protein change: p.Gln827His; replaces glutamine 827 with histidine.
Molecular consequence: missense variant.
Genome position (GRCh38, 1-based): chr17:80,117,749, G>C. VCF-style: chr17-80117749-G-C. GRCh37 (hg19) VCF-style: chr17-78091548-G-C.
Other names: c.2481G>C, p.Gln827His (NM_001079803.3, NM_001079804.3, NM_001406741.1 and 1 more transcripts); short protein forms Q827H.
Identifiers: ClinVar variation 4876659 (VCV004876659.1).